The following is an entry in ClinVar:

ClinVar aggregate classification (germline): Uncertain significance (1 of 4 stars; one submission).

Conditions:
RASopathy. Also called: rasopathies; Noonan spectrum disorder. Identifiers: Orphanet 536391, MedGen C5555857, MONDO:0021060.

Submission:

Labcorp Genetics (formerly Invitae), Labcorp
Classification: Uncertain significance for RASopathy. Last evaluated: 2024-10-28. Review status: criteria provided, single submitter. Criteria: Invitae Variant Classification Sherloc (09022015). Collection method: clinical testing. Allele origin: germline.
Comment: This sequence change replaces proline, which is neutral and non-polar, with arginine, which is basic and polar, at codon 79 of the SHOC2 protein (p.Pro79Arg). This variant is not present in population databases (gnomAD no frequency). This variant has not been reported in the literature in individuals affected with SHOC2-related conditions. Invitae Evidence Modeling of protein sequence and biophysical properties (such as structural, functional, and spatial information, amino acid conservation, physicochemical variation, residue mobility, and thermodynamic stability) indicates that this missense variant is not expected to disrupt SHOC2 protein function with a negative predictive value of 80%. In summary, the available evidence is currently insufficient to determine the role of this variant in disease. Therefore, it has been classified as a Variant of Uncertain Significance.

NM_007373.4(SHOC2):c.236C>G (p.Pro79Arg)

Gene: SHOC2 (SHOC2 leucine rich repeat scaffold protein; plus strand). Cytogenetic location: 10q25.2.
Variant type: single nucleotide variant.
Coding change: c.236C>G on transcript NM_007373.4 (MANE Select); coding-DNA position 236, C replaced by G.
Protein change: p.Pro79Arg; replaces proline 79 with arginine.
Molecular consequence: missense variant.
Genome position (GRCh38, 1-based): chr10:110,964,594, C>G. VCF-style: chr10-110964594-C-G. GRCh37 (hg19) VCF-style: chr10-112724352-C-G.
Other names: c.236C>G, p.Pro79Arg (NM_001269039.3, NM_001324336.2, NM_001324337.2); short protein forms P79R.
Identifiers: ClinVar variation 2725429 (VCV002725429.3), dbSNP rs2493838793, ClinGen allele CA378382866.